The following is an entry in ClinVar:

NM_000548.5(TSC2):c.3102C>G (p.Val1034=)

Gene: TSC2 (TSC complex subunit 2; plus strand). Cytogenetic location: 16p13.3.
Variant type: single nucleotide variant.
Coding change: c.3102C>G on transcript NM_000548.5 (MANE Select); coding-DNA position 3102, C replaced by G.
Protein change: p.Val1034=; no amino-acid change (valine 1034 retained).
Molecular consequence: synonymous variant.
Genome position (GRCh38, 1-based): chr16:2,079,167, C>G. VCF-style: chr16-2079167-C-G. GRCh37 (hg19) VCF-style: chr16-2129168-C-G.
Other names: c.3102C>G (NM_000548.4); c.2970C>G, p.Val990= (NM_001077183.3, NM_001370404.1); c.3102C>G, p.Val1034= (NM_001114382.3); c.2862C>G, p.Val954= (NM_001318827.2); c.2826C>G, p.Val942= (NM_001318829.2); c.2370C>G, p.Val790= (NM_001318831.2); c.3003C>G, p.Val1001= (NM_001318832.2); c.2973C>G, p.Val991= (NM_001363528.2, NM_001370405.1, NM_021055.3).
Identifiers: ClinVar variation 238011 (VCV000238011.26), dbSNP rs562998574, ClinGen allele CA044220.
Genomic context (GRCh38, chr16:2,079,167, plus strand): 5'-CCTGAAAAACCTCCACCTGGAGCTCACGGAAACCTGTCTGGACATGATGGCTCGATACGT[C>G]TTCTCCAACTTCACGGCTGTCCCGAAGAGGTCCAGGCGGCACTACAGGGCTGGGCGGGCC-3'
Protein context (NP_000539.2, residues 1024-1044): ETCLDMMARY[Val1034=]FSNFTAVPKR

ClinVar aggregate classification (germline): Benign/Likely benign. Review status: criteria provided, multiple submitters, no conflicts (2 of 4 stars). 11 submissions from 11 submitters: Benign (5); Likely benign (5). 1 of the submissions does not count toward it. Last evaluated 2026-02-03.

Conditions:
TSC2-related disorder. Also called: TSC2-Related Disorders; TSC2-related condition.
Hereditary cancer-predisposing syndrome. Also called: Tumor predisposition; Hereditary Cancer Syndrome; Hereditary neoplastic syndrome; Neoplastic Syndromes, Hereditary. Identifiers: Orphanet 140162, MedGen C0027672, MeSH D009386, MONDO:0015356.
Tuberous sclerosis 2 (TSC2). Identifiers: Orphanet 805, MedGen C1860707, MONDO:0013199, OMIM 613254.
Tuberous sclerosis syndrome (TSC). Also called: Tuberous Sclerosis Complex; Tuberous sclerosis. Identifiers: Orphanet 805, MedGen C0041341, MONDO:0001734.

Allele frequency attached by ClinVar (database versions not stated): gnomAD below 0.00001 and 0.00003; 1000 Genomes Project 30x 0.00016; 1000 Genomes Project 0.00020.

Submissions (11):

Labcorp Genetics (formerly Invitae), Labcorp
Classification: Benign for Tuberous sclerosis 2. Last evaluated: 2026-02-03. Review status: criteria provided, single submitter. Criteria: Invitae Variant Classification Sherloc (09022015). Collection method: clinical testing. Allele origin: germline.

Myriad Genetics, Inc.
Classification: Benign for Tuberous sclerosis 2. Last evaluated: 2025-05-27. Review status: criteria provided, single submitter. Criteria: Myriad Autosomal Dominant, Autosomal Recessive and X-Linked Classification Criteria (2023). Collection method: clinical testing. Allele origin: unknown.
Comment: This variant is considered benign. This variant is a silent/synonymous amino acid change and it is not expected to impact splicing.

All of Us Research Program, National Institutes of Health
Classification: Benign for Tuberous sclerosis syndrome. Last evaluated: 2023-12-13. Review status: criteria provided, single submitter. Criteria: ACMG Guidelines, 2015. Collection method: clinical testing. Allele origin: germline. Inheritance: Autosomal dominant inheritance. Observed: 2 variant alleles, 2 heterozygotes.
Comment: This study involves interpretation of variants in research participants for the purpose of population health screening. Participant phenotype was not available at the time of variant classification. Additional details can be found in publication PMID: 35346344, PMCID: PMC8962531

KCCC/NGS Laboratory, Kuwait Cancer Control Center
Classification: Likely benign for Tuberous sclerosis 2. Last evaluated: 2023-07-07. Review status: criteria provided, single submitter. Criteria: ACMG Guidelines, 2015. Collection method: clinical testing. Allele origin: germline. Affected: yes.

Color Diagnostics, LLC DBA Color Health
Classification: Benign for Tuberous sclerosis syndrome. Last evaluated: 2022-09-28. Review status: criteria provided, single submitter. Criteria: ACMG Guidelines, 2015. Collection method: clinical testing. Allele origin: germline.

Genome-Nilou Lab
Classification: Benign for Tuberous sclerosis 2. Last evaluated: 2021-11-07. Review status: criteria provided, single submitter. Criteria: ACMG Guidelines, 2015. Collection method: clinical testing. Allele origin: germline. Affected: no.

Sema4
Classification: Likely benign for Hereditary cancer-predisposing syndrome. Last evaluated: 2020-09-16. Review status: criteria provided, single submitter. Criteria: Sema4 Curation Guidelines. Collection method: curation. Allele origin: germline.

GeneDx
Classification: Likely benign. Last evaluated: 2018-10-16. Review status: criteria provided, single submitter. Criteria: GeneDx Variant Classification Process June 2021. Collection method: clinical testing. Allele origin: germline. Affected: yes.

Ambry Genetics
Classification: Likely benign for Hereditary cancer-predisposing syndrome. Last evaluated: 2016-07-18. Review status: criteria provided, single submitter. Criteria: Ambry Variant Classification Scheme 2023. Collection method: clinical testing. Allele origin: germline.

Breakthrough Genomics
Classification: Likely benign. Review status: criteria provided, single submitter. Criteria: ACMG Guidelines, 2015. Collection method: not provided. Allele origin: germline. Inheritance: Autosomal dominant inheritance. Affected: yes.

PreventionGenetics, part of Exact Sciences
Classification: Likely benign for TSC2-related condition. Last evaluated: 2023-12-15. Review status: no assertion criteria provided. Collection method: clinical testing. Allele origin: germline. Not counted in ClinVar's aggregate classification.
Comment: This variant is classified as likely benign based on ACMG/AMP sequence variant interpretation guidelines (Richards et al. 2015 PMID: 25741868, with internal and published modifications).